The following is an entry in ClinVar:

NM_020699.4(GATAD2B):c.79G>A (p.Val27Ile)

Gene: GATAD2B (GATA zinc finger domain containing 2B; minus strand). Cytogenetic location: 1q21.3.
Variant type: single nucleotide variant.
Coding change: c.79G>A on transcript NM_020699.4 (MANE Select); coding-DNA position 79, G replaced by A.
Protein change: p.Val27Ile; replaces valine 27 with isoleucine.
Molecular consequence: missense variant.
Genome position (GRCh38, 1-based): chr1:153,828,269, C>T on the plus strand (G>A on the coding strand, the complement: GATAD2B is on the minus strand). VCF-style: chr1-153828269-C-T. GRCh37 (hg19) VCF-style: chr1-153800745-C-T.
Other names: short protein forms V27I.
Identifiers: ClinVar variation 2170718 (VCV002170718.4), dbSNP rs1048016223, ClinGen allele CA30718338.
Genomic context (GRCh38, chr1:153,828,269, plus strand): 5'-CCAACATTTTCAGACGTTCCATGGCCTCATGCCCCTCCATTTTGAGTCGCTTTGCCAGGA[C>T]ATCATCTCGCTCATCTGCTGGGTCCAAGCTCCGCTTCAACAGATTCAAGCGAAGAGCATC-3'
Protein context (NP_065750.1, residues 17-37): SLDPADERDD[Val27Ile]LAKRLKMEGH

ClinVar aggregate classification (germline): Uncertain significance (1 of 4 stars; one submission).

Allele frequency attached by ClinVar (database versions not stated): gnomAD exomes below 0.00001; gnomAD 0.00001; TOPMed 0.00001.
gnomAD v4.1: 8 of 1,613,952 alleles (0.0005%); highest among the groups gnomAD compares: African/African-American, 0.0093%; no homozygotes.

Submission:

Labcorp Genetics (formerly Invitae), Labcorp
Classification: Uncertain significance. Last evaluated: 2024-11-30. Review status: criteria provided, single submitter. Criteria: Invitae Variant Classification Sherloc (09022015). Collection method: clinical testing. Allele origin: germline.
Comment: This sequence change replaces valine, which is neutral and non-polar, with isoleucine, which is neutral and non-polar, at codon 27 of the GATAD2B protein (p.Val27Ile). This variant is present in population databases (no rsID available, gnomAD 0.01%). This variant has not been reported in the literature in individuals affected with GATAD2B-related conditions. ClinVar contains an entry for this variant (Variation ID: 2170718). Invitae Evidence Modeling of protein sequence and biophysical properties (such as structural, functional, and spatial information, amino acid conservation, physicochemical variation, residue mobility, and thermodynamic stability) indicates that this missense variant is not expected to disrupt GATAD2B protein function with a negative predictive value of 80%. In summary, the available evidence is currently insufficient to determine the role of this variant in disease. Therefore, it has been classified as a Variant of Uncertain Significance.